The following is an entry in ClinVar:

ClinVar aggregate classification (germline): Uncertain significance (1 of 4 stars; one submission).

Allele frequency attached by ClinVar (database versions not stated): gnomAD exomes below 0.00001.

Submission:

Labcorp Genetics (formerly Invitae), Labcorp
Classification: Uncertain significance. Last evaluated: 2022-04-12. Review status: criteria provided, single submitter. Criteria: Invitae Variant Classification Sherloc (09022015). Collection method: clinical testing. Allele origin: germline.
Comment: This sequence change replaces lysine, which is basic and polar, with asparagine, which is neutral and polar, at codon 368 of the FASTKD2 protein (p.Lys368Asn). This variant is not present in population databases (gnomAD no frequency). This variant has not been reported in the literature in individuals affected with FASTKD2-related conditions. Algorithms developed to predict the effect of missense changes on protein structure and function are either unavailable or do not agree on the potential impact of this missense change (SIFT: "Deleterious"; PolyPhen-2: "Possibly Damaging"; Align-GVGD: "Class C0"). In summary, the available evidence is currently insufficient to determine the role of this variant in disease. Therefore, it has been classified as a Variant of Uncertain Significance.

NM_001136193.2(FASTKD2):c.1104G>C (p.Lys368Asn)

Gene: FASTKD2 (FAST kinase domains 2; plus strand). Cytogenetic location: 2q33.3.
Variant type: single nucleotide variant.
Coding change: c.1104G>C on transcript NM_001136193.2 (MANE Select); coding-DNA position 1104, G replaced by C.
Protein change: p.Lys368Asn; replaces lysine 368 with asparagine.
Molecular consequence: missense variant.
Genome position (GRCh38, 1-based): chr2:206,772,007, G>C. VCF-style: chr2-206772007-G-C. GRCh37 (hg19) VCF-style: chr2-207636731-G-C.
Other names: c.1104G>C, p.Lys368Asn (NM_001136194.2, NM_014929.4); short protein forms K368N.
Identifiers: ClinVar variation 2036059 (VCV002036059.4), dbSNP rs2468815557, ClinGen allele CA350077848.